The following is an entry in ClinVar:

ClinVar aggregate classification (germline): Uncertain significance (1 of 4 stars; one submission).

Conditions:
Bethlem myopathy 1A. Also called: MYOPATHY, BENIGN CONGENITAL, WITH CONTRACTURES; Bethlem myopathy 1; Bethlem Muscular Dystrophy. Identifiers: Orphanet 610, MedGen CN029274, MONDO:0024530, OMIM 158810.

Allele frequency attached by ClinVar (database versions not stated): gnomAD exomes below 0.00001; ExAC 0.00001; gnomAD 0.00001.
gnomAD v4.1: 3 of 1,613,082 alleles (0.00019%); highest among the groups gnomAD compares: Non-Finnish European, 0.00017%; no homozygotes.

Submission:

Labcorp Genetics (formerly Invitae), Labcorp
Classification: Uncertain significance for Bethlem myopathy 1A. Last evaluated: 2024-03-12. Review status: criteria provided, single submitter. Criteria: Invitae Variant Classification Sherloc (09022015). Collection method: clinical testing. Allele origin: germline.
Comment: This sequence change replaces valine, which is neutral and non-polar, with alanine, which is neutral and non-polar, at codon 74 of the COL6A2 protein (p.Val74Ala). This variant is present in population databases (rs780700520, gnomAD 0.002%). This variant has not been reported in the literature in individuals affected with COL6A2-related conditions. Advanced modeling of protein sequence and biophysical properties (such as structural, functional, and spatial information, amino acid conservation, physicochemical variation, residue mobility, and thermodynamic stability) performed at Invitae indicates that this missense variant is not expected to disrupt COL6A2 protein function with a negative predictive value of 80%. In summary, the available evidence is currently insufficient to determine the role of this variant in disease. Therefore, it has been classified as a Variant of Uncertain Significance.

NM_001849.4(COL6A2):c.221T>C (p.Val74Ala)

Gene: COL6A2 (collagen type VI alpha 2 chain; plus strand). Cytogenetic location: 21q22.3.
Variant type: single nucleotide variant.
Coding change: c.221T>C on transcript NM_001849.4 (MANE Select); coding-DNA position 221, T replaced by C.
Protein change: p.Val74Ala; replaces valine 74 with alanine.
Molecular consequence: missense variant.
Genome position (GRCh38, 1-based): chr21:46,112,084, T>C. VCF-style: chr21-46112084-T-C. GRCh37 (hg19) VCF-style: chr21-47531998-T-C.
Other names: c.221T>C, p.Val74Ala (NM_058174.3, NM_058175.3); short protein forms V74A.
Identifiers: ClinVar variation 2920060 (VCV002920060.3), dbSNP rs780700520, ClinGen allele CA10071237.